The following is an entry in ClinVar:

ClinVar aggregate classification (germline): Uncertain significance (1 of 4 stars; one submission).

Allele frequency attached by ClinVar (database versions not stated): TOPMed below 0.00001.

Submission:

GeneDx
Classification: Uncertain significance. Last evaluated: 2022-01-14. Review status: criteria provided, single submitter. Criteria: GeneDx Variant Classification Process June 2021. Collection method: clinical testing. Allele origin: germline. Affected: yes.
Comment: Not observed at significant frequency in large population cohorts (gnomAD); In silico analysis supports that this missense variant does not alter protein structure/function; Has not been previously published as pathogenic or benign to our knowledge

NM_020338.4(ZMIZ1):c.1000C>T (p.Pro334Ser)

Gene: ZMIZ1 (zinc finger MIZ-type containing 1; plus strand). Cytogenetic location: 10q22.3.
Variant type: single nucleotide variant.
Coding change: c.1000C>T on transcript NM_020338.4 (MANE Select); coding-DNA position 1000, C replaced by T.
Protein change: p.Pro334Ser; replaces proline 334 with serine.
Molecular consequence: missense variant.
Genome position (GRCh38, 1-based): chr10:79,293,423, C>T. VCF-style: chr10-79293423-C-T. GRCh37 (hg19) VCF-style: chr10-81053180-C-T.
Other names: short protein forms P334S.
Identifiers: ClinVar variation 1697097 (VCV001697097.2), dbSNP rs1440104353, ClinGen allele CA377334234.